The following is an entry in ClinVar:

ClinVar aggregate classification (germline): Likely benign (0 of 4 stars; one submission).

Conditions:
POF1B-related disorder. Also called: POF1B-related condition.

Allele frequency attached by ClinVar (database versions not stated): gnomAD exomes 0.00007; ExAC 0.00031; 1000 Genomes Project 30x 0.00042; 1000 Genomes Project 0.00053; gnomAD 0.00086; TOPMed 0.00105; ESP Exome Variant Server 0.00114.
gnomAD v4.1: 171 of 1,171,973 alleles (0.015%); highest among the groups gnomAD compares: African/African-American, 0.3%; no homozygotes.

Submission:

PreventionGenetics, part of Exact Sciences
Classification: Likely benign for POF1B-related condition. Last evaluated: 2019-08-20. Review status: no assertion criteria provided. Collection method: clinical testing. Allele origin: germline.
Comment: This variant is classified as likely benign based on ACMG/AMP sequence variant interpretation guidelines (Richards et al. 2015 PMID: 25741868, with internal and published modifications).

NM_024921.4(POF1B):c.450T>A (p.Ser150=)

Gene: POF1B (POF1B actin binding protein; minus strand). Cytogenetic location: Xq21.1.
Variant type: single nucleotide variant.
Coding change: c.450T>A on transcript NM_024921.4 (MANE Select); coding-DNA position 450, T replaced by A.
Protein change: p.Ser150=; no amino-acid change (serine 150 retained).
Molecular consequence: synonymous variant.
Genome position (GRCh38, 1-based): chrX:85,351,440, A>T on the plus strand (T>A on the coding strand, the complement: POF1B is on the minus strand). VCF-style: chrX-85351440-A-T. GRCh37 (hg19) VCF-style: chrX-84606446-A-T.
Other names: c.450T>A, p.Ser150= (NM_001307940.2).
Identifiers: ClinVar variation 3053375 (VCV003053375.2), dbSNP rs146160940, ClinGen allele CA10465170.
Genomic context (GRCh38, chrX:85,351,440, plus strand): 5'-TATTGTTTTTTCATAAATAACATTGTTTCCTGGGAAGAAATGGCTTCCTCTTAGGAATTG[A>T]GACAGTGGTTCCTAAAATGATAGTAAATTATATGTTTTGTTTTGAAAGTTGTCTTTTCAG-3'
Protein context (NP_079197.3, residues 140-160): VVQNPEQEPL[Ser150=]QFLRGSHFFP